The following is an entry in ClinVar:

ClinVar aggregate classification (germline): Uncertain significance (1 of 4 stars; one submission).

Submission:

Labcorp Genetics (formerly Invitae), Labcorp
Classification: Uncertain significance. Last evaluated: 2024-03-28. Review status: criteria provided, single submitter. Criteria: Invitae Variant Classification Sherloc (09022015). Collection method: clinical testing. Allele origin: germline.
Comment: This sequence change replaces alanine, which is neutral and non-polar, with serine, which is neutral and polar, at codon 1836 of the FLNB protein (p.Ala1836Ser). This variant is not present in population databases (gnomAD no frequency). This variant has not been reported in the literature in individuals affected with FLNB-related conditions. Advanced modeling of protein sequence and biophysical properties (such as structural, functional, and spatial information, amino acid conservation, physicochemical variation, residue mobility, and thermodynamic stability) performed at Invitae indicates that this missense variant is not expected to disrupt FLNB protein function with a negative predictive value of 95%. In summary, the available evidence is currently insufficient to determine the role of this variant in disease. Therefore, it has been classified as a Variant of Uncertain Significance.

NM_001457.4(FLNB):c.5506G>T (p.Ala1836Ser)

Gene: FLNB (filamin B; plus strand). Cytogenetic location: 3p14.3.
Variant type: single nucleotide variant.
Coding change: c.5506G>T on transcript NM_001457.4 (MANE Select); coding-DNA position 5506, G replaced by T.
Protein change: p.Ala1836Ser; replaces alanine 1836 with serine.
Molecular consequence: missense variant.
Genome position (GRCh38, 1-based): chr3:58,146,001, G>T. VCF-style: chr3-58146001-G-T. GRCh37 (hg19) VCF-style: chr3-58131728-G-T.
Other names: c.5599G>T, p.Ala1867Ser (NM_001164317.2); c.5473G>T, p.Ala1825Ser (NM_001164318.2); c.5434G>T, p.Ala1812Ser (NM_001164319.2); short protein forms A1836S, A1867S, A1812S, A1825S.
Identifiers: ClinVar variation 3714816 (VCV003714816.2).